The following is an entry in ClinVar:

ClinVar aggregate classification (germline): Uncertain significance (0 of 4 stars; one submission).

Conditions:
SDCCAG8-related disorder. Also called: SDCCAG8-Related Disorders; SDCCAG8-related condition.

Submission:

PreventionGenetics, part of Exact Sciences
Classification: Uncertain significance for SDCCAG8-related condition. Last evaluated: 2024-02-21. Review status: no assertion criteria provided. Collection method: clinical testing. Allele origin: germline.
Comment: The SDCCAG8 c.1515_1526del12 variant is predicted to result in an in-frame deletion (p.His506_Gln509del). To our knowledge, this variant has not been reported in the literature. This variant is reported in 0.0016% of alleles in individuals of European (Non-Finnish) descent in gnomAD. At this time, the variant is interpreted as uncertain significance due to absence of genetic and functional evidence.

NM_006642.5(SDCCAG8):c.1515_1526del (p.His506_Gln509del)

Gene: SDCCAG8 (SHH signaling and ciliogenesis regulator SDCCAG8; plus strand). Cytogenetic location: 1q43.
Variant type: Deletion.
Coding change: c.1515_1526del on transcript NM_006642.5 (MANE Select); coding-DNA positions 1515 to 1526, 12 bases deleted (ACACTTGGAACA).
Protein change: p.His506_Gln509del.
Molecular consequence: inframe deletion.
Genome position (GRCh38, 1-based): chr1:243,378,762-243,378,773, ACACTTGGAACA deleted; deleting any 12 consecutive bases within chr1:243,378,758-243,378,773 gives the same sequence; the c. name uses the placement nearest the transcript's 3' end. VCF-style (leftmost placement, unchanged base first): chr1-243378757-AAACAACACTTGG-A. GRCh37 (hg19) VCF-style: chr1-243542059-AAACAACACTTGG-A.
Other names: c.612_623del, p.His205_Gln208del (NM_001350246.2, NM_001350247.2, NM_001350251.2); c.1611_1622del, p.His538_Gln541del (NM_001350248.2); c.1221_1232del, p.His408_Gln411del (NM_001350249.2).
Identifiers: ClinVar variation 3348518 (VCV003348518.1).
Genomic context (GRCh38, chr1:243,378,757, plus strand): 5'-TTTTTCCCCTTCTCTCTACCTAAGGAAATAGAGAAATTGAGAATAGAACTGGATGAAAGC[AAACAACACTTGG>A]AACAGGAGCAGCAGAAGGCAGCCCTGGCCAGAGAGGAGTGCCTGAGACTAACAGAACTGC-3'